The following is an entry in ClinVar:

NM_020987.5(ANK3):c.11749A>G (p.Asn3917Asp)

Gene: ANK3 (ankyrin 3; minus strand). Cytogenetic location: 10q21.2.
Variant type: single nucleotide variant.
Coding change: c.11749A>G on transcript NM_020987.5 (MANE Select); coding-DNA position 11749, A replaced by G.
Protein change: p.Asn3917Asp; replaces asparagine 3917 with aspartic acid.
Molecular consequence: missense variant. On other transcripts: intron variant (4).
Genome position (GRCh38, 1-based): chr10:60,069,132, T>C on the plus strand (A>G on the coding strand, the complement: ANK3 is on the minus strand). VCF-style: chr10-60069132-T-C. GRCh37 (hg19) VCF-style: chr10-61828890-T-C.
Other names: c.4388-1123A>G (NM_001204403.2); c.4409-1123A>G (NM_001204404.2); c.4406-1123A>G (NM_001320874.2); c.1808-1123A>G (NM_001149.4); c.11749A>G (NM_020987.4); short protein forms N3917D.
Identifiers: ClinVar variation 2405811 (VCV002405811.3), dbSNP rs761309540, ClinGen allele CA5511045.

ClinVar aggregate classification (germline): Uncertain significance. Review status: criteria provided, multiple submitters, no conflicts (2 of 4 stars). 3 submissions from 3 submitters: Uncertain significance (3). Last evaluated 2025-10-28.

Conditions:
Inborn genetic diseases. Identifiers: MedGen C0950123, MeSH D030342.
ANK3-related disorder. Also called: ANK3-related condition.

Allele frequency attached by ClinVar (database versions not stated): ExAC 0.00002; gnomAD 0.00002; gnomAD exomes 0.00002; TOPMed 0.00002.
gnomAD v4.1: 33 of 1,614,084 alleles (0.002%); highest among the groups gnomAD compares: Middle Eastern, 0.016%; no homozygotes.

Submissions (3):

Women's Health and Genetics/Laboratory Corporation of America, LabCorp
Classification: Uncertain significance. Last evaluated: 2025-10-28. Review status: criteria provided, single submitter. Criteria: LabCorp Variant Classification Summary - May 2015. Collection method: clinical testing. Allele origin: germline.
Comment: Variant summary: ANK3 c.11749A>G (p.Asn3917Asp) results in a conservative amino acid change in the encoded protein sequence. Algorithms developed to predict the effect of missense changes on protein structure and function are either unavailable or do not agree on the potential impact of this missense change. The variant allele was found at a frequency of 2e-05 in 251222 control chromosomes. The available data on variant occurrences in the general population are insufficient to allow any conclusion about variant significance. To our knowledge, no occurrence of c.11749A>G in individuals affected with ANK3-related conditions and no experimental evidence demonstrating its impact on protein function have been reported. ClinVar contains an entry for this variant (Variation ID: 2405811). Based on the evidence outlined above, the variant was classified as uncertain significance.

PreventionGenetics, part of Exact Sciences
Classification: Uncertain significance for ANK3-related condition. Last evaluated: 2023-05-16. Review status: criteria provided, single submitter. Criteria: ACMG Guidelines, 2015. Collection method: clinical testing. Allele origin: germline.
Comment: The ANK3 c.11749A>G variant is predicted to result in the amino acid substitution p.Asn3917Asp. To our knowledge, this variant has not been reported in the literature. This variant is reported in 0.0029% of alleles in individuals of Latino descent in gnomAD. At this time, the clinical significance of this variant is uncertain due to the absence of conclusive functional and genetic evidence.

Ambry Genetics
Classification: Uncertain significance for Inborn genetic diseases. Last evaluated: 2022-04-25. Review status: criteria provided, single submitter. Criteria: Ambry General Variant Classification Scheme_2022. Collection method: clinical testing. Allele origin: germline. Observed: 1 variant allele.